The following is an entry in ClinVar:

NM_206933.4(USH2A):c.9065G>T (p.Gly3022Val)

Gene: USH2A (usherin; minus strand). Cytogenetic location: 1q41.
Variant type: single nucleotide variant.
Coding change: c.9065G>T on transcript NM_206933.4 (MANE Select); coding-DNA position 9065, G replaced by T.
Protein change: p.Gly3022Val; replaces glycine 3022 with valine.
Molecular consequence: missense variant.
Genome position (GRCh38, 1-based): chr1:215,844,487, C>A on the plus strand (G>T on the coding strand, the complement: USH2A is on the minus strand). VCF-style: chr1-215844487-C-A. GRCh37 (hg19) VCF-style: chr1-216017829-C-A.
Other names: short protein forms G3022V.
Identifiers: ClinVar variation 1425594 (VCV001425594.6), dbSNP rs760398253, ClinGen allele CA1394409.
Genomic context (GRCh38, chr1:215,844,487, plus strand): 5'-GATGTCCAGATGACACGTACAGCTGTACTGTTGATGATGACAACCTCTGGAGGAAGCATG[C>A]CCTGAGGCTCTAGAATTAAAGGAAGAAACTGAATAAACTCCAGCTGTCTCTGAAAAAGCA-3'
Protein context (NP_996816.3, residues 3012-3032): HATTCDGEPQ[Gly3022Val]MLPPEVVIIN

ClinVar aggregate classification (germline): Uncertain significance (1 of 4 stars; one submission).

Submission:

Labcorp Genetics (formerly Invitae), Labcorp
Classification: Uncertain significance. Last evaluated: 2023-03-14. Review status: criteria provided, single submitter. Criteria: Invitae Variant Classification Sherloc (09022015). Collection method: clinical testing. Allele origin: germline.
Comment: The frequency data for this variant in the population databases is considered unreliable, as metrics indicate poor data quality at this position in the gnomAD database. In summary, the available evidence is currently insufficient to determine the role of this variant in disease. Therefore, it has been classified as a Variant of Uncertain Significance. Advanced modeling of protein sequence and biophysical properties (such as structural, functional, and spatial information, amino acid conservation, physicochemical variation, residue mobility, and thermodynamic stability) performed at Invitae indicates that this missense variant is expected to disrupt USH2A protein function. ClinVar contains an entry for this variant (Variation ID: 1425594). This variant has not been reported in the literature in individuals affected with USH2A-related conditions. This sequence change replaces glycine, which is neutral and non-polar, with valine, which is neutral and non-polar, at codon 3022 of the USH2A protein (p.Gly3022Val).